The following is an entry in ClinVar:

ClinVar aggregate classification (germline): Uncertain significance (1 of 4 stars; one submission).

Conditions:
Glycogen storage disease type III (GSD3). Also called: Cori disease; FORBES DISEASE. Identifiers: Orphanet 366, MedGen C0017922, MONDO:0009291, OMIM 232400.

Submission:

Labcorp Genetics (formerly Invitae), Labcorp
Classification: Uncertain significance for Glycogen storage disease type III. Last evaluated: 2021-04-23. Review status: criteria provided, single submitter. Criteria: Invitae Variant Classification Sherloc (09022015). Collection method: clinical testing. Allele origin: germline.
Comment: This variant is not present in population databases (ExAC no frequency). This sequence change replaces cysteine with arginine at codon 703 of the AGL protein (p.Cys703Arg). The cysteine residue is weakly conserved and there is a large physicochemical difference between cysteine and arginine. This variant has not been reported in the literature in individuals with AGL-related conditions. In summary, the available evidence is currently insufficient to determine the role of this variant in disease. Therefore, it has been classified as a Variant of Uncertain Significance. Algorithms developed to predict the effect of missense changes on protein structure and function output the following: SIFT: "Tolerated"; PolyPhen-2: "Benign"; Align-GVGD: "Class C0". The arginine amino acid residue is found in multiple mammalian species, suggesting that this missense change does not adversely affect protein function. These predictions have not been confirmed by published functional studies and their clinical significance is uncertain.

NM_000642.3(AGL):c.2107T>C (p.Cys703Arg)

Gene: AGL (amylo-alpha-1,6-glucosidase and 4-alpha-glucanotransferase; plus strand). Cytogenetic location: 1p21.2.
Variant type: single nucleotide variant.
Coding change: c.2107T>C on transcript NM_000642.3 (MANE Select); coding-DNA position 2107, T replaced by C.
Protein change: p.Cys703Arg; replaces cysteine 703 with arginine.
Molecular consequence: missense variant.
Genome position (GRCh38, 1-based): chr1:99,881,397, T>C. VCF-style: chr1-99881397-T-C. GRCh37 (hg19) VCF-style: chr1-100346953-T-C.
Other names: c.2107T>C, p.Cys703Arg (NM_000028.3, NM_000643.3, NM_000644.3 and 2 more transcripts); c.2059T>C, p.Cys687Arg (NM_000646.3); c.1906T>C, p.Cys636Arg (NM_001425327.1); c.1903T>C, p.Cys635Arg (NM_001425328.1, NM_001425329.1); c.1729T>C, p.Cys577Arg (NM_001425332.1); short protein forms C703R, C687R, C577R, C635R, C636R.
Identifiers: ClinVar variation 1413077 (VCV001413077.8), dbSNP rs2100759729, ClinGen allele CA341319176.